The following is an entry in ClinVar:

ClinVar aggregate classification (germline): Pathogenic. Review status: criteria provided, multiple submitters, no conflicts (2 of 4 stars). 4 submissions from 4 submitters: Pathogenic (3). 1 of the submissions does not count toward it. Last evaluated 2025-04-04.

Conditions:
Xanthinuria type II. Also called: Xanthine dehydrogenase and aldehyde oxidase combined deficiency of; XDH and AOX dual deficiency. Identifiers: Orphanet 3467, Orphanet 93602, MedGen C1863688, MONDO:0011346, OMIM 603592.

Allele frequency attached by ClinVar (database versions not stated): gnomAD 0.00010 and 0.00011; TOPMed 0.00018; 1000 Genomes Project 0.00020; ExAC 0.00024; gnomAD exomes 0.00026; ESP Exome Variant Server 0.00031.

Submissions (4):

Women's Health and Genetics/Laboratory Corporation of America, LabCorp
Classification: Pathogenic for Xanthinuria type II. Last evaluated: 2025-04-04. Review status: criteria provided, single submitter. Criteria: LabCorp Variant Classification Summary - May 2015. Collection method: clinical testing. Allele origin: germline.
Comment: Variant summary: MOCOS c.1255C>T (p.Arg419X) results in a premature termination codon, predicted to cause a truncation of the encoded protein or absence of the protein due to nonsense mediated decay, which are commonly known mechanisms for disease. The variant allele was found at a frequency of 0.00026 in 251260 control chromosomes. This frequency is not significantly higher than estimated for a pathogenic variant in MOCOS causing Xanthinuria Type II, allowing no conclusion about variant significance. c.1255C>T has been reported in the literature in individuals affected with Xanthinuria Type II (e.g. Ichida_2001). These data indicate that the variant is likely to be associated with disease. To our knowledge, no experimental evidence demonstrating an impact on protein function has been reported. The following publication has been ascertained in the context of this evaluation (PMID: 11302742). ClinVar contains an entry for this variant (Variation ID: 253160). Based on the evidence outlined above, the variant was classified as pathogenic.

Labcorp Genetics (formerly Invitae), Labcorp
Classification: Pathogenic for Xanthinuria type II. Last evaluated: 2025-03-31. Review status: criteria provided, single submitter. Criteria: Invitae Variant Classification Sherloc (09022015). Collection method: clinical testing. Allele origin: germline.
Comment: This sequence change creates a premature translational stop signal (p.Arg419*) in the MOCOS gene. It is expected to result in an absent or disrupted protein product. Loss-of-function variants in MOCOS are known to be pathogenic (PMID: 11302742, 17368066). This variant is present in population databases (rs142150953, gnomAD 0.05%). This premature translational stop signal has been observed in individuals with classical xanthinuria type II (PMID: 11302742). ClinVar contains an entry for this variant (Variation ID: 253160). For these reasons, this variant has been classified as Pathogenic.

Fulgent Genetics
Classification: Pathogenic for Xanthinuria type II. Last evaluated: 2022-05-10. Review status: criteria provided, single submitter. Criteria: ACMG Guidelines, 2015. Collection method: clinical testing. Allele origin: unknown.

OMIM
Classification: Pathogenic for XANTHINURIA, TYPE II. Last evaluated: 2016-07-27. Review status: no assertion criteria provided. Collection method: literature only. Allele origin: germline. Not counted in ClinVar's aggregate classification.

Literature cited by the submitters: PubMed 11302742 (cited by 3 submitters); PubMed 17368066 (cited by Labcorp Genetics (formerly Invitae), Labcorp); PubMed 25967871 (cited by OMIM).

NM_017947.4(MOCOS):c.1255C>T (p.Arg419Ter)

Gene: MOCOS (molybdenum cofactor sulfurase; plus strand). Cytogenetic location: 18q12.2.
Variant type: single nucleotide variant.
Coding change: c.1255C>T on transcript NM_017947.4 (MANE Select); coding-DNA position 1255, C replaced by T.
Protein change: p.Arg419Ter; replaces arginine 419 with a stop codon.
Molecular consequence: nonsense.
Genome position (GRCh38, 1-based): chr18:36,213,402, C>T. VCF-style: chr18-36213402-C-T. GRCh37 (hg19) VCF-style: chr18-33793365-C-T.
Other names: short protein forms R419*.
Identifiers: ClinVar variation 253160 (VCV000253160.13), dbSNP rs142150953, ClinGen allele CA8940673.
Genomic context (GRCh38, chr18:36,213,402, plus strand): 5'-TTCCATGTTACATTAAATCCGCAGGTGGACAAAATGGCCAGTCTTTACAACATCCACCTG[C>T]GAACTGGCTGCTTCTGTAACACTGGGGCCTGCCAGAGGCACCTGGGCATAAGCAACGAGA-3'